The following is an entry in ClinVar:

ClinVar aggregate classification (germline): Uncertain significance. Review status: criteria provided, multiple submitters, no conflicts (2 of 4 stars). 3 submissions from 3 submitters: Uncertain significance (2). 1 of the submissions does not count toward it. Last evaluated 2025-08-08.

Conditions:
KIDINS220-related disorder. Also called: KIDINS220-related condition.
Inborn genetic diseases. Identifiers: MedGen C0950123, MeSH D030342.

Allele frequency attached by ClinVar (database versions not stated): gnomAD exomes 0.00002.

Submissions (3):

Ambry Genetics
Classification: Uncertain significance for Inborn genetic diseases. Last evaluated: 2025-08-08. Review status: criteria provided, single submitter. Criteria: Ambry Variant Classification Scheme 2023. Collection method: clinical testing. Allele origin: germline.

Labcorp Genetics (formerly Invitae), Labcorp
Classification: Uncertain significance. Last evaluated: 2022-04-12. Review status: criteria provided, single submitter. Criteria: Invitae Variant Classification Sherloc (09022015). Collection method: clinical testing. Allele origin: germline.
Comment: In summary, the available evidence is currently insufficient to determine the role of this variant in disease. Therefore, it has been classified as a Variant of Uncertain Significance. Algorithms developed to predict the effect of sequence changes on RNA splicing suggest that this variant may create or strengthen a splice site. Algorithms developed to predict the effect of missense changes on protein structure and function output the following: SIFT: "Tolerated"; PolyPhen-2: "Benign"; Align-GVGD: "Class C0". The valine amino acid residue is found in multiple mammalian species, which suggests that this missense change does not adversely affect protein function. This missense change has been observed in individual(s) with clinical features of hereditary spastic paraplegia (Invitae). This variant is present in population databases (rs763663946, gnomAD 0.01%). This sequence change replaces methionine, which is neutral and non-polar, with valine, which is neutral and non-polar, at codon 1418 of the KIDINS220 protein (p.Met1418Val).

PreventionGenetics, part of Exact Sciences
Classification: Uncertain significance for KIDINS220-related condition. Last evaluated: 2024-02-01. Review status: no assertion criteria provided. Collection method: clinical testing. Allele origin: germline. Not counted in ClinVar's aggregate classification.
Comment: The KIDINS220 c.4252A>G variant is predicted to result in the amino acid substitution p.Met1418Val. To our knowledge, this variant has not been reported in the literature. This variant is reported in 0.012% of alleles in individuals of Latino descent in gnomAD. At this time, the clinical significance of this variant is uncertain due to the absence of conclusive functional and genetic evidence.

NM_020738.4(KIDINS220):c.4252A>G (p.Met1418Val)

Gene: KIDINS220 (kinase D interacting substrate 220; minus strand). Cytogenetic location: 2p25.1.
Variant type: single nucleotide variant.
Coding change: c.4252A>G on transcript NM_020738.4 (MANE Select); coding-DNA position 4252, A replaced by G.
Protein change: p.Met1418Val; replaces methionine 1418 with valine.
Molecular consequence: missense variant. On other transcripts: intron variant (6).
Genome position (GRCh38, 1-based): chr2:8,731,784, T>C on the plus strand (A>G on the coding strand, the complement: KIDINS220 is on the minus strand). VCF-style: chr2-8731784-T-C. GRCh37 (hg19) VCF-style: chr2-8871914-T-C.
Other names: c.4255A>G, p.Met1419Val (NM_001348729.2); c.4198A>G, p.Met1400Val (NM_001348731.2); c.4195A>G, p.Met1399Val (NM_001348732.2); c.4084A>G, p.Met1362Val (NM_001348734.2); c.4081A>G, p.Met1361Val (NM_001348735.2); c.3955A>G, p.Met1319Val (NM_001348736.2); c.3882+1660A>G (NM_001348741.2, NM_001348742.2, NM_001348743.2); c.3996+1660A>G (NM_001348738.2); and 2 more; short protein forms M1362V, M1399V, M1319V, M1400V, M1418V, M1361V, M1419V.
Identifiers: ClinVar variation 1406072 (VCV001406072.9), dbSNP rs763663946, ClinGen allele CA1519399.